The following is an entry in ClinVar:

NM_000550.3(TYRP1):c.68G>A (p.Arg23Gln)

Gene: TYRP1 (tyrosinase related protein 1; plus strand). Cytogenetic location: 9p23.
Variant type: single nucleotide variant.
Coding change: c.68G>A on transcript NM_000550.3 (MANE Select); coding-DNA position 68, G replaced by A.
Protein change: p.Arg23Gln; replaces arginine 23 with glutamine.
Molecular consequence: missense variant.
Genome position (GRCh38, 1-based): chr9:12,694,064, G>A. VCF-style: chr9-12694064-G-A. GRCh37 (hg19) VCF-style: chr9-12694064-G-A.
Other names: short protein forms R23Q.
Identifiers: ClinVar variation 1424926 (VCV001424926.3), dbSNP rs762458245, ClinGen allele CA4985100.

ClinVar aggregate classification (germline): Uncertain significance (1 of 4 stars; one submission).

Allele frequency attached by ClinVar (database versions not stated): gnomAD 0.00001.

Submission:

Labcorp Genetics (formerly Invitae), Labcorp
Classification: Uncertain significance. Last evaluated: 2022-03-26. Review status: criteria provided, single submitter. Criteria: Invitae Variant Classification Sherloc (09022015). Collection method: clinical testing. Allele origin: germline.
Comment: This sequence change replaces arginine, which is basic and polar, with glutamine, which is neutral and polar, at codon 23 of the TYRP1 protein (p.Arg23Gln). This variant is present in population databases (rs762458245, gnomAD 0.01%). This variant has not been reported in the literature in individuals affected with TYRP1-related conditions. Algorithms developed to predict the effect of missense changes on protein structure and function (SIFT, PolyPhen-2, Align-GVGD) all suggest that this variant is likely to be tolerated. In summary, the available evidence is currently insufficient to determine the role of this variant in disease. Therefore, it has been classified as a Variant of Uncertain Significance.